The following is an entry in ClinVar:

ClinVar aggregate classification (germline): Pathogenic/Likely pathogenic. Review status: criteria provided, multiple submitters, no conflicts (2 of 4 stars). 11 submissions from 11 submitters: Pathogenic (9); Likely pathogenic (1). 1 of the submissions does not count toward it. Last evaluated 2025-10-21.

Conditions:
Hereditary neuropathy or pain disorder.
MPZ-related disorder. Also called: MPZ-related condition; MPZ-related disorders.
Charcot-Marie-Tooth disease. Also called: Charcot-Marie-Tooth Hereditary Neuropathy; Charcot-Marie-Tooth Neuropathy. Identifiers: Orphanet 166, MedGen C0007959, MONDO:0015626.
Charcot-Marie-Tooth disease, type I (CMT1). Also called: Charcot-Marie-Tooth, Type 1; Charcot-Marie-Tooth disease type 1. Identifiers: Orphanet 65753, MedGen C0751036, MONDO:0019011.
CHARCOT-MARIE-TOOTH DISEASE, TYPE 1B, WITH FOCALLY FOLDED MYELIN SHEATHS. Identifiers: MedGen C4016266.

Allele frequency attached by ClinVar (database versions not stated): gnomAD exomes below 0.00001.
gnomAD v4.1: 3 of 1,614,202 alleles (0.00019%); highest among the groups gnomAD compares: Non-Finnish European, 0.00017%; no homozygotes.

Submissions (11):

NHS Central & South Genomic Laboratory Hub
Classification: Pathogenic for Hereditary neuropathy or pain disorder. Last evaluated: 2025-10-21. Review status: criteria provided, single submitter. Criteria: ACMG Guidelines, 2015. Collection method: clinical testing. Allele origin: germline. Affected: yes.

Labcorp Genetics (formerly Invitae), Labcorp
Classification: Pathogenic for Charcot-Marie-Tooth disease, type I. Last evaluated: 2025-10-19. Review status: criteria provided, single submitter. Criteria: Invitae Variant Classification Sherloc (09022015). Collection method: clinical testing. Allele origin: germline.
Comment: This sequence change replaces serine, which is neutral and polar, with leucine, which is neutral and non-polar, at codon 78 of the MPZ protein (p.Ser78Leu). This variant is not present in population databases (gnomAD no frequency). This missense change has been observed in individual(s) with Charcot-Marie-Tooth disease type I (PMID: 7527371, 9633821, 10965800, 18347322). It has also been observed to segregate with disease in related individuals. Invitae Evidence Modeling of clinical and family history, age, sex, and reported ancestry of multiple individuals with this MPZ variant has been performed. This variant is expected to be pathogenic with a positive predictive value of at least 99%. This is a validated machine learning model that incorporates the clinical features of 13,236 individuals referred to our laboratory for MPZ testing. ClinVar contains an entry for this variant (Variation ID: 14188). An algorithm developed to predict the effect of missense changes on protein structure and function (PolyPhen-2) suggests that this variant is likely to be disruptive. This variant disrupts the p.Ser78 amino acid residue in MPZ. Other variant(s) that disrupt this residue have been determined to be pathogenic (PMID: 7527371, 9633821, 12707985, 18347322; internal data). This suggests that this residue is clinically significant, and that variants that disrupt this residue are likely to be disease-causing. For these reasons, this variant has been classified as Pathogenic.

3billion
Classification: Likely pathogenic for MPZ-related disorder. Last evaluated: 2025-04-26. Review status: criteria provided, single submitter. Criteria: ACMG Guidelines, 2015. Collection method: clinical testing. Allele origin: germline. Affected: yes.

Blueprint Genetics
Classification: Pathogenic for MPZ-related disorders. Last evaluated: 2024-04-03. Review status: criteria provided, single submitter. Criteria: ACMG Guidelines, 2015. Collection method: clinical testing. Allele origin: germline. Affected: yes. Observed: 2 variant alleles.

CeGaT Center for Human Genetics Tuebingen
Classification: Pathogenic. Last evaluated: 2023-06-01. Review status: criteria provided, single submitter. Criteria: CeGaT Center For Human Genetics Tuebingen Variant Classification Criteria Version 2. Collection method: clinical testing. Allele origin: germline. Affected: yes. Observed: 1 variant allele.
Comment: MPZ: PS4, PM1, PM2, PM5, PP1

Athena Diagnostics
Classification: Pathogenic. Last evaluated: 2022-12-01. Review status: criteria provided, single submitter. Criteria: Athena Diagnostics Criteria. Collection method: clinical testing. Allele origin: unknown.
Comment: This variant has been identified in multiple unrelated individuals with clinical features associated with autosomal dominant Charcot-Marie-Tooth disease and segregates with disease in multiple families. This variant has not been reported in large, multi-ethnic general populations. In some published literature, this variant is referred to as p.Ser49Leu. The variant is located in a region that is considered important for protein function and/or structure.

GeneDx
Classification: Pathogenic. Last evaluated: 2022-01-14. Review status: criteria provided, single submitter. Criteria: GeneDx Variant Classification Process June 2021. Collection method: clinical testing. Allele origin: germline. Affected: yes.
Comment: Not observed at significant frequency in large population cohorts (gnomAD); Missense variants in this gene are often considered pathogenic (HGMD); In silico analysis supports that this missense variant has a deleterious effect on protein structure/function; This variant is associated with the following publications: (PMID: 26310628, 26135405, 26481167, 25429913, 19691535, 19293842, 7527371, 19259128, 11545686, 10965800, 11437164, 9633821, 9187667, 11835375, 12497641, 10093067, 7550231, 18347322, 26406915, 18422810, 29687021, 32376792, 33825325, 12707985, 9883862, 20461396)

Institute of Medical Genetics and Applied Genomics, University Hospital Tübingen
Classification: Pathogenic. Last evaluated: 2020-10-23. Review status: criteria provided, single submitter. Criteria: ACMG Guidelines, 2015. Collection method: clinical testing. Allele origin: germline. Inheritance: Autosomal unknown. Affected: yes.

Eurofins Ntd Llc (ga)
Classification: Pathogenic. Last evaluated: 2015-09-15. Review status: criteria provided, single submitter. Criteria: EGL Classification Definitions 2015. Collection method: clinical testing. Allele origin: germline. Observed: 1 variant allele, 1 heterozygote.

Molecular Genetics Laboratory, London Health Sciences Centre
Classification: Pathogenic for Charcot-Marie-Tooth disease. Review status: criteria provided, single submitter. Criteria: ACMG Guidelines, 2015. Collection method: clinical testing. Allele origin: germline. Affected: yes.

OMIM
Classification: Pathogenic for CHARCOT-MARIE-TOOTH DISEASE, TYPE 1B, WITH FOCALLY FOLDED MYELIN SHEATHS. Last evaluated: 2000-09-01. Review status: no assertion criteria provided. Collection method: literature only. Allele origin: germline. Not counted in ClinVar's aggregate classification.

Literature cited by the submitters: PubMed 7527371 (cited by 3 submitters); PubMed 9633821 (cited by Labcorp Genetics (formerly Invitae), Labcorp and Athena Diagnostics); PubMed 10965800 (cited by 3 submitters); PubMed 18347322 (cited by Labcorp Genetics (formerly Invitae), Labcorp and Athena Diagnostics); PubMed 12707985 (cited by Labcorp Genetics (formerly Invitae), Labcorp and 3billion); PubMed 29687021 (cited by Athena Diagnostics); PubMed 33825325 (cited by Athena Diagnostics); PubMed 32376792 (cited by Athena Diagnostics); PubMed 18422810 (cited by Athena Diagnostics); PubMed 9187667 (cited by Athena Diagnostics); PubMed 10093067 (cited by Athena Diagnostics); PubMed 11437164 (cited by Athena Diagnostics); PubMed 11835375 (cited by Athena Diagnostics); PubMed 12497641 (cited by Athena Diagnostics).

NM_000530.8(MPZ):c.233C>T (p.Ser78Leu)

Gene: MPZ (myelin protein zero; minus strand). Cytogenetic location: 1q23.3.
Variant type: single nucleotide variant.
Coding change: c.233C>T on transcript NM_000530.8 (MANE Select); coding-DNA position 233, C replaced by T.
Protein change: p.Ser78Leu; replaces serine 78 with leucine.
Molecular consequence: missense variant.
Genome position (GRCh38, 1-based): chr1:161,307,259, G>A on the plus strand (C>T on the coding strand, the complement: MPZ is on the minus strand). VCF-style: chr1-161307259-G-A. GRCh37 (hg19) VCF-style: chr1-161277049-G-A.
Other names: S49L; c.233C>T, p.Ser78Leu (LRG_256t1, NM_001315491.2); short protein forms S78L.
Identifiers: ClinVar variation 14188 (VCV000014188.48), dbSNP rs121913601, ClinGen allele CA123805.
Genomic context (GRCh38, chr1:161,307,259, plus strand): 5'-TTTGTTGTTCTTTGAAGCACTTTCTGTTATCCAACCCCAGGATTCCCCCAGGCACTCACC[G>A]AAATGGCATCTCTGCCCCCTTCGGGCTGGTAGCGCCAGGTGAAGGAGATGTCATCTGAGA-3'
Protein context (NP_000521.2, residues 68-88): YQPEGGRDAI[Ser78Leu]IFHYAKGQPY